The following is an entry in ClinVar:

NM_002373.6(MAP1A):c.7721G>A (p.Arg2574His)

Gene: MAP1A (microtubule associated protein 1A; plus strand). Cytogenetic location: 15q15.3.
Variant type: single nucleotide variant.
Coding change: c.7721G>A on transcript NM_002373.6 (MANE Select); coding-DNA position 7721, G replaced by A.
Protein change: p.Arg2574His; replaces arginine 2574 with histidine.
Molecular consequence: missense variant.
Genome position (GRCh38, 1-based): chr15:43,529,194, G>A. VCF-style: chr15-43529194-G-A. GRCh37 (hg19) VCF-style: chr15-43821392-G-A.
Other names: c.8435G>A, p.Arg2812His (NM_001411089.1); short protein forms R2574H, R2812H.
Identifiers: ClinVar variation 3036635 (VCV003036635.2), dbSNP rs532556370, ClinGen allele CA7527123.

ClinVar aggregate classification (germline): Likely benign (0 of 4 stars; one submission).

Conditions:
MAP1A-related disorder. Also called: MAP1A-related condition.

Allele frequency attached by ClinVar (database versions not stated): gnomAD 0.00012; ExAC 0.00026; gnomAD exomes 0.00033; 1000 Genomes Project 0.00080.

Submission:

PreventionGenetics, part of Exact Sciences
Classification: Likely benign for MAP1A-related condition. Last evaluated: 2023-04-08. Review status: no assertion criteria provided. Collection method: clinical testing. Allele origin: germline.
Comment: This variant is classified as likely benign based on ACMG/AMP sequence variant interpretation guidelines (Richards et al. 2015 PMID: 25741868, with internal and published modifications).